The following is an entry in ClinVar:

ClinVar aggregate classification (germline): Uncertain significance. Review status: criteria provided, single submitter (1 of 4 stars). 2 submissions from 2 submitters: Uncertain significance (1). 1 of the submissions does not count toward it. Last evaluated 2024-01-23.

Allele frequency attached by ClinVar (database versions not stated): gnomAD exomes below 0.00001 and 0.00001; gnomAD 0.00001; ExAC 0.00002.
gnomAD v4.1: 4 of 1,613,688 alleles (0.00025%); highest among the groups gnomAD compares: East Asian, 0.0089%; no homozygotes.

Submissions (2):

Ambry Genetics
Classification: Uncertain significance. Last evaluated: 2024-01-23. Review status: criteria provided, single submitter. Criteria: Ambry Variant Classification Scheme 2023. Collection method: clinical testing. Allele origin: germline.

Department of Pathology and Laboratory Medicine, Sinai Health System
Classification: Uncertain significance. Review status: no assertion criteria provided. Collection method: clinical testing. Allele origin: unknown. Affected: yes. Study: The Canadian Open Genetics Repository (COGR). Not counted in ClinVar's aggregate classification.
Comment: The ACTN3 p.Phe456Leu variant was not identified in the literature nor was it identified in ClinVar, Cosmic, or LOVD 3.0. The variant was identified in dbSNP (ID: rs764415736) and in control databases in 3 of 280996 chromosomes at a frequency of 0.000011 (Genome Aggregation Database Feb 27, 2017). The variant was observed in the East Asian population in 3 of 19884 chromosomes (freq: 0.000151), but not in the African, Latino, Ashkenazi Jewish, European (Finnish), European (non-Finnish), Other, and South Asian populations. The variant occurs outside of the splicing consensus sequence and in silico or computational prediction software programs (SpliceSiteFinder, MaxEntScan, NNSPLICE, GeneSplicer) do not predict a difference in splicing. The p.Phe456 residue is conserved in mammals and computational analyses (PolyPhen-2, SIFT, AlignGVGD, BLOSUM, MutationTaster) provide inconsistent predictions regarding the impact to the protein; this information is not very predictive of pathogenicity. In summary, based on the above information the clinical significance of this variant cannot be determined with certainty at this time. This variant is classified as a variant of uncertain significance.

NM_001104.4(ACTN3):c.1237T>C (p.Phe413Leu)

Gene: ACTN3 (actinin alpha 3; plus strand). Cytogenetic location: 11q13.2.
Variant type: single nucleotide variant.
Coding change: c.1237T>C on transcript NM_001104.4 (MANE Select); coding-DNA position 1237, T replaced by C.
Protein change: p.Phe413Leu; replaces phenylalanine 413 with leucine.
Molecular consequence: missense variant.
Genome position (GRCh38, 1-based): chr11:66,558,135, T>C. VCF-style: chr11-66558135-T-C. GRCh37 (hg19) VCF-style: chr11-66325606-T-C.
Other names: c.1366T>C, p.Phe456Leu (NM_001258371.3); c.1237T>C (NM_001104.1); short protein forms F413L, F456L.
Identifiers: ClinVar variation 1049642 (VCV001049642.2), dbSNP rs764415736, ClinGen allele CA6124611.